The following is an entry in ClinVar:

NM_001267550.2(TTN):c.51573_51581dup (p.Trp17194Ter)

Genes: TTN-AS1 (TTN antisense RNA 1; plus strand), TTN (titin; minus strand). Cytogenetic location: 2q31.2.
Variant type: Duplication.
Coding change: c.51573_51581dup on transcript NM_001267550.2 (MANE Select); coding-DNA positions 51573 to 51581, 9 bases duplicated (AGAAAGGTG; older notation c.51573_51581dupAGAAAGGTG).
Protein change: p.Trp17194Ter; replaces tryptophan 17194 with a stop codon.
Molecular consequence: nonsense.
Genome position (GRCh38, 1-based): chr2:178,609,842-178,609,850, CACCTTTCT duplicated on the plus strand (AGAAAGGTG on the coding strand, the reverse complement: TTN is on the minus strand). VCF-style (leftmost placement, unchanged base first): chr2-178609841-C-CCACCTTTCT. GRCh37 (hg19) VCF-style: chr2-179474568-C-CCACCTTTCT.
Other names: c.46650_46658dup, p.Trp15553Ter (NM_001256850.1); c.24378_24386dup, p.Trp8129Ter (NM_003319.4); c.43869_43877dup, p.Trp14626Ter (NM_133378.4); c.24753_24761dup, p.Trp8254Ter (NM_133432.3); c.24954_24962dup, p.Trp8321Ter (NM_133437.4); short protein forms W8129*, W8254*, W8321*, W14626*, W15553*, W17194*.
Identifiers: ClinVar variation 4784962 (VCV004784962.1).

ClinVar aggregate classification (germline): Likely pathogenic (1 of 4 stars; one submission).

Conditions:
Autosomal recessive limb-girdle muscular dystrophy type 2J (LGMDR10). Also called: Limb-girdle muscular dystrophy, type 2J; MUSCULAR DYSTROPHY, LIMB-GIRDLE, AUTOSOMAL RECESSIVE 10. Identifiers: Orphanet 140922, MedGen C1837342, MONDO:0012127, OMIM 608807.
Dilated cardiomyopathy 1G (CMD1G). Identifiers: Orphanet 154, MedGen C1858763, MONDO:0011400, OMIM 604145.

Submission:

Labcorp Genetics (formerly Invitae), Labcorp
Classification: Likely pathogenic for Dilated cardiomyopathy 1G; Autosomal recessive limb-girdle muscular dystrophy type 2J. Last evaluated: 2025-05-11. Review status: criteria provided, single submitter. Criteria: Invitae Variant Classification Sherloc (09022015). Collection method: clinical testing. Allele origin: germline.
Comment: This sequence change creates a premature translational stop signal (p.Trp17194*) in the TTN gene. While this is not anticipated to result in nonsense mediated decay, it is expected to create a truncated TTN protein. This variant is not present in population databases (gnomAD no frequency). This variant has not been reported in the literature in individuals affected with TTN-related conditions. Algorithms developed to predict the effect of sequence changes on RNA splicing suggest that this variant may create or strengthen a splice site. This variant is located in the A band of TTN (PMID: 25589632). Truncating variants in this region are significantly overrepresented in patients affected with dilated cardiomyopathy (PMID: 25589632). Truncating variants in this region have also been reported in individuals affected with autosomal recessive centronuclear myopathy (PMID: 23975875). In summary, the currently available evidence indicates that the variant is pathogenic, but additional data are needed to prove that conclusively. Therefore, this variant has been classified as Likely Pathogenic.

Literature cited by the submitters: PubMed 25589632; PubMed 23975875.